The following is an entry in ClinVar:

ClinVar aggregate classification (germline): Uncertain significance. Review status: criteria provided, multiple submitters, no conflicts (2 of 4 stars). 2 submissions from 2 submitters: Uncertain significance (2). Last evaluated 2025-03-01.

Conditions:
Primary ciliary dyskinesia 5. Also called: CILIARY DYSKINESIA, PRIMARY, 5, WITHOUT SITUS INVERSUS. Identifiers: Orphanet 244, MedGen C1837615, MONDO:0012088, OMIM 608647.

Submissions (2):

CeGaT Center for Human Genetics Tuebingen
Classification: Uncertain significance. Last evaluated: 2025-03-01. Review status: criteria provided, single submitter. Criteria: CeGaT Center For Human Genetics Tuebingen Variant Classification Criteria Version 2. Collection method: clinical testing. Allele origin: germline. Affected: yes. Observed: 1 variant allele.
Comment: HYDIN: PM2:Supporting, BP4

Department of Pathology and Laboratory Medicine, Sinai Health System
Classification: Uncertain significance for Primary ciliary dyskinesia 5. Last evaluated: 2020-08-10. Review status: criteria provided, single submitter. Criteria: ACMG Guidelines, 2015. Collection method: research. Allele origin: germline.

NM_001270974.2(HYDIN):c.4990G>T (p.Gly1664Trp)

Gene: HYDIN (HYDIN axonemal central pair apparatus protein; minus strand). Cytogenetic location: 16q22.2.
Variant type: single nucleotide variant.
Coding change: c.4990G>T on transcript NM_001270974.2 (MANE Select); coding-DNA position 4990, G replaced by T.
Protein change: p.Gly1664Trp; replaces glycine 1664 with tryptophan.
Molecular consequence: missense variant.
Genome position (GRCh38, 1-based): chr16:70,974,220, C>A on the plus strand (G>T on the coding strand, the complement: HYDIN is on the minus strand). VCF-style: chr16-70974220-C-A. GRCh37 (hg19) VCF-style: chr16-71008123-C-A.
Other names: short protein forms G1664W.
Identifiers: ClinVar variation 3778022 (VCV003778022.8).